The following is an entry in ClinVar:

ClinVar aggregate classification (germline): Uncertain significance (1 of 4 stars; one submission).

Submission:

Labcorp Genetics (formerly Invitae), Labcorp
Classification: Uncertain significance. Last evaluated: 2023-03-08. Review status: criteria provided, single submitter. Criteria: Invitae Variant Classification Sherloc (09022015). Collection method: clinical testing. Allele origin: germline.
Comment: This sequence change replaces glutamine, which is neutral and polar, with histidine, which is basic and polar, at codon 340 of the IL12RB2 protein (p.Gln340His). This variant is not present in population databases (gnomAD no frequency). This variant has not been reported in the literature in individuals affected with IL12RB2-related conditions. An algorithm developed to predict the effect of missense changes on protein structure and function (PolyPhen-2) suggests that this variant is likely to be tolerated. In summary, the available evidence is currently insufficient to determine the role of this variant in disease. Therefore, it has been classified as a Variant of Uncertain Significance.

NM_001374259.2(IL12RB2):c.1020G>T (p.Gln340His)

Gene: IL12RB2 (interleukin 12 receptor subunit beta 2; plus strand). Cytogenetic location: 1p31.3.
Variant type: single nucleotide variant.
Coding change: c.1020G>T on transcript NM_001374259.2 (MANE Select); coding-DNA position 1020, G replaced by T.
Protein change: p.Gln340His; replaces glutamine 340 with histidine.
Molecular consequence: missense variant. On other transcripts: non-coding transcript variant (2).
Genome position (GRCh38, 1-based): chr1:67,338,685, G>T. VCF-style: chr1-67338685-G-T. GRCh37 (hg19) VCF-style: chr1-67804368-G-T.
Other names: c.1020G>T, p.Gln340His (NM_001258214.1, NM_001258215.1, NM_001258216.1 and 2 more transcripts); short protein forms Q340H.
Identifiers: ClinVar variation 2843729 (VCV002843729.3), dbSNP rs2526061027, ClinGen allele CA340734778.